The following is an entry in ClinVar:

NM_001211.6(BUB1B):c.2490T>G (p.Asp830Glu)

Gene: BUB1B (BUB1 mitotic checkpoint serine/threonine kinase B; plus strand). Cytogenetic location: 15q15.1.
Variant type: single nucleotide variant.
Coding change: c.2490T>G on transcript NM_001211.6 (MANE Select); coding-DNA position 2490, T replaced by G.
Protein change: p.Asp830Glu; replaces aspartic acid 830 with glutamic acid.
Molecular consequence: missense variant.
Genome position (GRCh38, 1-based): chr15:40,212,603, T>G. VCF-style: chr15-40212603-T-G. GRCh37 (hg19) VCF-style: chr15-40504804-T-G.
Other names: short protein forms D830E.
Identifiers: ClinVar variation 3262197 (VCV003262197.1).

ClinVar aggregate classification (germline): Uncertain significance (1 of 4 stars; one submission).

Conditions:
Inborn genetic diseases. Identifiers: MedGen C0950123, MeSH D030342.

Submission:

Ambry Genetics
Classification: Uncertain significance for Inborn genetic diseases. Last evaluated: 2024-03-25. Review status: criteria provided, single submitter. Criteria: Ambry Variant Classification Scheme 2023. Collection method: clinical testing. Allele origin: germline.
Comment: The p.D830E variant (also known as c.2490T>G), located in coding exon 19 of the BUB1B gene, results from a T to G substitution at nucleotide position 2490. The aspartic acid at codon 830 is replaced by glutamic acid, an amino acid with highly similar properties. This amino acid position is conserved. In addition, this alteration is predicted to be tolerated by in silico analysis. Based on the available evidence, the clinical significance of this alteration remains unclear.